The following is an entry in ClinVar:

ClinVar aggregate classification (germline): Uncertain significance (1 of 4 stars; one submission).

gnomAD v4.1: 1 of 1,603,598 alleles (0.000062%); highest among the groups gnomAD compares: Non-Finnish European, 0.000085%; no homozygotes.

Submission:

Labcorp Genetics (formerly Invitae), Labcorp
Classification: Uncertain significance. Last evaluated: 2024-08-29. Review status: criteria provided, single submitter. Criteria: Invitae Variant Classification Sherloc (09022015). Collection method: clinical testing. Allele origin: germline.
Comment: This sequence change affects codon 312 of the TCIRG1 mRNA. It is a 'silent' change, meaning that it does not change the encoded amino acid sequence of the TCIRG1 protein. This variant is not present in population databases (gnomAD no frequency). This variant has not been reported in the literature in individuals affected with TCIRG1-related conditions. Algorithms developed to predict the effect of sequence changes on RNA splicing suggest that this variant may create or strengthen a splice site. In summary, the available evidence is currently insufficient to determine the role of this variant in disease. Therefore, it has been classified as a Variant of Uncertain Significance.

NM_006019.4(TCIRG1):c.936C>T (p.Ser312=)

Gene: TCIRG1 (T cell immune regulator 1, ATPase H+ transporting V0 subunit a3; plus strand). Cytogenetic location: 11q13.2.
Variant type: single nucleotide variant.
Coding change: c.936C>T on transcript NM_006019.4 (MANE Select); coding-DNA position 936, C replaced by T.
Protein change: p.Ser312=; no amino-acid change (serine 312 retained).
Molecular consequence: synonymous variant.
Genome position (GRCh38, 1-based): chr11:68,044,260, C>T. VCF-style: chr11-68044260-C-T. GRCh37 (hg19) VCF-style: chr11-67811727-C-T.
Other names: c.42C>T, p.Ser14= (NM_001351059.2); c.288C>T, p.Ser96= (NM_006053.4).
Identifiers: ClinVar variation 3687099 (VCV003687099.2).